The following is an entry in ClinVar:

ClinVar aggregate classification (germline): Uncertain significance. Review status: criteria provided, multiple submitters, no conflicts (2 of 4 stars). 3 submissions from 3 submitters: Uncertain significance (2). 1 of the submissions does not count toward it. Last evaluated 2026-01-17.

Conditions:
NLRP1-related disorder. Also called: NLRP1-related condition.
Inborn genetic diseases. Identifiers: MedGen C0950123, MeSH D030342.

Allele frequency attached by ClinVar (database versions not stated): gnomAD exomes 0.00002; ExAC 0.00003; gnomAD 0.00005; TOPMed 0.00006; ESP Exome Variant Server 0.00015.
gnomAD v4.1: 85 of 1,613,960 alleles (0.0053%); highest among the groups gnomAD compares: Non-Finnish European, 0.0068%; no homozygotes.

Submissions (3):

Labcorp Genetics (formerly Invitae), Labcorp
Classification: Uncertain significance. Last evaluated: 2026-01-17. Review status: criteria provided, single submitter. Criteria: Invitae Variant Classification Sherloc (09022015). Collection method: clinical testing. Allele origin: germline.
Comment: This sequence change replaces glutamic acid, which is acidic and polar, with glutamine, which is neutral and polar, at codon 1308 of the NLRP1 protein (p.Glu1308Gln). This variant is present in population databases (rs200713360, gnomAD 0.006%). This variant has not been reported in the literature in individuals affected with NLRP1-related conditions. ClinVar contains an entry for this variant (Variation ID: 1490819). An algorithm developed to predict the effect of missense changes on protein structure and function (PolyPhen-2) suggests that this variant is likely to be disruptive. In summary, the available evidence is currently insufficient to determine the role of this variant in disease. Therefore, it has been classified as a Variant of Uncertain Significance.

Ambry Genetics
Classification: Uncertain significance for Inborn genetic diseases. Last evaluated: 2025-08-14. Review status: criteria provided, single submitter. Criteria: Ambry Variant Classification Scheme 2023. Collection method: clinical testing. Allele origin: germline.

PreventionGenetics, part of Exact Sciences
Classification: Uncertain significance for NLRP1-related condition. Last evaluated: 2024-08-21. Review status: no assertion criteria provided. Collection method: clinical testing. Allele origin: germline. Not counted in ClinVar's aggregate classification.
Comment: The NLRP1 c.3922G>C variant is predicted to result in the amino acid substitution p.Glu1308Gln. To our knowledge, this variant has not been reported in the literature. This variant is reported in 0.0047% of alleles in individuals of European (Non-Finnish) descent in gnomAD. At this time, the clinical significance of this variant is uncertain due to the absence of conclusive functional and genetic evidence.

NM_033004.4(NLRP1):c.3922G>C (p.Glu1308Gln)

Gene: NLRP1 (NLR family pyrin domain containing 1; minus strand). Cytogenetic location: 17p13.2.
Variant type: single nucleotide variant.
Coding change: c.3922G>C on transcript NM_033004.4 (MANE Select); coding-DNA position 3922, G replaced by C.
Protein change: p.Glu1308Gln; replaces glutamic acid 1308 with glutamine.
Molecular consequence: missense variant.
Genome position (GRCh38, 1-based): chr17:5,517,881, C>G on the plus strand (G>C on the coding strand, the complement: NLRP1 is on the minus strand). VCF-style: chr17-5517881-C-G. GRCh37 (hg19) VCF-style: chr17-5421201-C-G.
Other names: c.3934G>C, p.Glu1312Gln (NM_001033053.3); c.3790G>C, p.Glu1264Gln (NM_014922.5); c.3832G>C, p.Glu1278Gln (NM_033006.4); c.3700G>C, p.Glu1234Gln (NM_033007.4); c.3922G>C (NM_033004.3); short protein forms E1234Q, E1264Q, E1278Q, E1308Q, E1312Q.
Identifiers: ClinVar variation 1490819 (VCV001490819.10), dbSNP rs200713360, ClinGen allele CA8326697.